The following is an entry in ClinVar:

ClinVar aggregate classification (germline): Uncertain significance (1 of 4 stars; one submission).

Conditions:
Congenital hyperammonemia, type I. Also called: Carbamoyl phosphate synthetase I deficiency disease; Carbamoyl-phosphate synthase I deficiency; CPS I DEFICIENCY; Carbamoyl phosphate synthetase 1 deficiency; Hyperammonemia due to carbamoyl phosphate synthetase 1 deficiency; CPS 1 deficiency. Identifiers: Orphanet 147, MedGen C4082171, MONDO:0009376, OMIM 237300.

Allele frequency attached by ClinVar (database versions not stated): gnomAD exomes below 0.00001 and 0.00001.
gnomAD v4.1: 2 of 1,588,436 alleles (0.00013%); highest among the groups gnomAD compares: Admixed American, 0.0033%; no homozygotes.

Submission:

Labcorp Genetics (formerly Invitae), Labcorp
Classification: Uncertain significance for Congenital hyperammonemia, type I. Last evaluated: 2021-12-03. Review status: criteria provided, single submitter. Criteria: Invitae Variant Classification Sherloc (09022015). Collection method: clinical testing. Allele origin: germline.
Comment: This sequence change falls in intron 13 of the CPS1 gene. It does not directly change the encoded amino acid sequence of the CPS1 protein. It affects a nucleotide within the consensus splice site. This variant is present in population databases (no rsID available, gnomAD 0.006%). This variant has not been reported in the literature in individuals affected with CPS1-related conditions. Variants that disrupt the consensus splice site are a relatively common cause of aberrant splicing (PMID: 17576681, 9536098). Algorithms developed to predict the effect of sequence changes on RNA splicing suggest that this variant may disrupt the consensus splice site. In summary, the available evidence is currently insufficient to determine the role of this variant in disease. Therefore, it has been classified as a Variant of Uncertain Significance.

Literature cited by the submitters: PubMed 17576681; PubMed 9536098.

NM_001875.5(CPS1):c.1359+4A>G

Gene: CPS1 (carbamoyl-phosphate synthase 1; plus strand). Cytogenetic location: 2q34.
Variant type: single nucleotide variant.
Coding change: c.1359+4A>G on transcript NM_001875.5 (MANE Select); 4 bases into the intron after coding-DNA position 1359, A replaced by G.
Molecular consequence: intron variant.
Genome position (GRCh38, 1-based): chr2:210,595,586, A>G. VCF-style: chr2-210595586-A-G. GRCh37 (hg19) VCF-style: chr2-211460310-A-G.
Other names: c.1359+4A>G (NM_001369257.1, NM_001122633.3); c.1392+4A>G (NM_001369256.1).
Identifiers: ClinVar variation 1463519 (VCV001463519.3), dbSNP rs916389428, ClinGen allele CA64751856.